The following is an entry in ClinVar:

NM_015261.3(NCAPD3):c.1616-4A>G

Gene: NCAPD3 (non-SMC condensin II complex subunit D3; minus strand). Cytogenetic location: 11q25.
Variant type: single nucleotide variant.
Coding change: c.1616-4A>G on transcript NM_015261.3 (MANE Select); 4 bases into the intron before coding-DNA position 1616, A replaced by G.
Molecular consequence: intron variant.
Genome position (GRCh38, 1-based): chr11:134,194,742, T>C on the plus strand (A>G on the coding strand, the complement: NCAPD3 is on the minus strand). VCF-style: chr11-134194742-T-C. GRCh37 (hg19) VCF-style: chr11-134064637-T-C.
Other names: c.1202-4A>G (NM_001372070.1, NM_001372069.1); c.1616-4A>G (NM_001372065.1, NM_001372068.1).
Identifiers: ClinVar variation 3039527 (VCV003039527.2), dbSNP rs777823336, ClinGen allele CA6371576.

ClinVar aggregate classification (germline): Likely benign (0 of 4 stars; one submission).

Conditions:
NCAPD3-related disorder. Also called: NCAPD3-related condition.

Allele frequency attached by ClinVar (database versions not stated): gnomAD exomes below 0.00001; ExAC 0.00001.
gnomAD v4.1: 4 of 1,595,424 alleles (0.00025%); highest among the groups gnomAD compares: East Asian, 0.0023%; no homozygotes.

Submission:

PreventionGenetics, part of Exact Sciences
Classification: Likely benign for NCAPD3-related condition. Last evaluated: 2019-05-23. Review status: no assertion criteria provided. Collection method: clinical testing. Allele origin: germline.
Comment: This variant is classified as likely benign based on ACMG/AMP sequence variant interpretation guidelines (Richards et al. 2015 PMID: 25741868, with internal and published modifications).